The following is an entry in ClinVar:

ClinVar aggregate classification (germline): Uncertain significance (1 of 4 stars; one submission).

Conditions:
Baller-Gerold syndrome (BGS). Also called: CRANIOSYNOSTOSIS WITH RADIAL DEFECTS. Identifiers: Orphanet 1225, MedGen C0265308, MONDO:0009039, OMIM 218600.

Submission:

Labcorp Genetics (formerly Invitae), Labcorp
Classification: Uncertain significance for Baller-Gerold syndrome. Last evaluated: 2025-09-07. Review status: criteria provided, single submitter. Criteria: Invitae Variant Classification Sherloc (09022015). Collection method: clinical testing. Allele origin: germline.
Comment: This variant, c.2563_2574dup, results in the insertion of 4 amino acid(s) of the RECQL4 protein (p.Cys855_Thr858dup), but otherwise preserves the integrity of the reading frame. This variant is not present in population databases (gnomAD no frequency). This variant has not been reported in the literature in individuals affected with RECQL4-related conditions. ClinVar contains an entry for this variant (Variation ID: 846095). Experimental studies and prediction algorithms are not available or were not evaluated, and the functional significance of this variant is currently unknown. In summary, the available evidence is currently insufficient to determine the role of this variant in disease. Therefore, it has been classified as a Variant of Uncertain Significance.

NM_004260.4(RECQL4):c.2557TGCACC[5] (p.853CT[5])

Gene: RECQL4 (RecQ like helicase 4; minus strand). Cytogenetic location: 8q24.3.
Variant type: Microsatellite.
Coding change: c.2557TGCACC[5] on transcript NM_004260.4 (MANE Select); five copies in a row of the 6-base unit TGCACC starting at c.2557; the reference has three copies in a row; two copies, 12 bases duplicated.
Protein change: p.853CT[5].
Molecular consequence: inframe insertion.
Genome position (GRCh38, 1-based): chr8:144,513,028-144,513,039, GGTGCAGGTGCA duplicated on the plus strand (TGCACCTGCACC on the coding strand, the reverse complement: RECQL4 is on the minus strand); duplicating any 12 consecutive bases within chr8:144,513,028-144,513,047 gives the same sequence; the position shown is the placement nearest the transcript's 3' end. VCF-style (leftmost placement, unchanged base first): chr8-144513027-T-TGGTGCAGGTGCA. GRCh37 (hg19) VCF-style: chr8-145738410-T-TGGTGCAGGTGCA.
Identifiers: ClinVar variation 846095 (VCV000846095.5), dbSNP rs548804317, ClinGen allele CA916083030.